The following is an entry in ClinVar:

NM_194277.3(FRMD7):c.719T>G (p.Ile240Ser)

Gene: FRMD7 (FERM domain containing 7; minus strand). Cytogenetic location: Xq26.2.
Variant type: single nucleotide variant.
Coding change: c.719T>G on transcript NM_194277.3 (MANE Select); coding-DNA position 719, T replaced by G.
Protein change: p.Ile240Ser; replaces isoleucine 240 with serine.
Molecular consequence: missense variant.
Genome position (GRCh38, 1-based): chrX:132,084,512, A>C on the plus strand (T>G on the coding strand, the complement: FRMD7 is on the minus strand). VCF-style: chrX-132084512-A-C. GRCh37 (hg19) VCF-style: chrX-131218540-A-C.
Other names: c.674T>G, p.Ile225Ser (NM_001306193.2); short protein forms I225S, I240S.
Identifiers: ClinVar variation 2499152 (VCV002499152.30), dbSNP rs2520745729, ClinGen allele CA414680747.

ClinVar aggregate classification (germline): Uncertain significance. Review status: criteria provided, multiple submitters, no conflicts (2 of 4 stars). 2 submissions from 2 submitters: Uncertain significance (2). Last evaluated 2025-01-29.

Submissions (2):

Labcorp Genetics (formerly Invitae), Labcorp
Classification: Uncertain significance. Last evaluated: 2025-01-29. Review status: criteria provided, single submitter. Criteria: Invitae Variant Classification Sherloc (09022015). Collection method: clinical testing. Allele origin: germline.
Comment: This sequence change replaces isoleucine, which is neutral and non-polar, with serine, which is neutral and polar, at codon 240 of the FRMD7 protein (p.Ile240Ser). This variant is not present in population databases (gnomAD no frequency). This variant has not been reported in the literature in individuals affected with FRMD7-related conditions. ClinVar contains an entry for this variant (Variation ID: 2499152). An algorithm developed to predict the effect of missense changes on protein structure and function (PolyPhen-2) suggests that this variant is likely to be disruptive. In summary, the available evidence is currently insufficient to determine the role of this variant in disease. Therefore, it has been classified as a Variant of Uncertain Significance.

CeGaT Center for Human Genetics Tuebingen
Classification: Uncertain significance. Last evaluated: 2023-01-01. Review status: criteria provided, single submitter. Criteria: CeGaT Center For Human Genetics Tuebingen Variant Classification Criteria Version 2. Collection method: clinical testing. Allele origin: germline. Affected: yes. Observed: 1 variant allele.
Comment: FRMD7: PM2, PM5, PP4